The following is an entry in ClinVar:

ClinVar aggregate classification (germline): Pathogenic/Likely pathogenic. Review status: criteria provided, multiple submitters, no conflicts (2 of 4 stars). 4 submissions from 4 submitters: Pathogenic (1); Likely pathogenic (3). Last evaluated 2025-09-19.

Conditions:
Congenital lactic acidosis, Saguenay-Lac-Saint-Jean type (MC4DN5). Also called: MITOCHONDRIAL COMPLEX IV DEFICIENCY, NUCLEAR TYPE 5; CYTOCHROME c OXIDASE DEFICIENCY, FRENCH CANADIAN TYPE; COX DEFICIENCY, FRENCH CANADIAN TYPE. Identifiers: Orphanet 70472, MedGen C1857355, MONDO:0009069, OMIM 220111.

gnomAD v4.1: 10 of 1,611,842 alleles (0.00062%); highest among the groups gnomAD compares: Non-Finnish European, 0.00085%; no homozygotes.

Submissions (4):

Natera, Inc.
Classification: Likely pathogenic for French-Canadian type Leigh syndrome. Last evaluated: 2025-09-19. Review status: criteria provided, single submitter. Criteria: Natera Variant Classification Schema (03/2026). Collection method: clinical testing. Allele origin: germline.
Comment: The c.2167C>T variant in LRPPRC is a nonsense variant predicted to introduce a stop codon at amino acid 723. This variant is expected to result in nonsense mediated decay, truncation, or a dysfunctional protein product. This variant is rare in the general population with a frequency below the threshold expected for the associated phenotype(s). Given the available evidence, this variant is classified as Likely Pathogenic.

Baylor Genetics
Classification: Likely pathogenic for Congenital lactic acidosis, Saguenay-Lac-Saint-Jean type. Last evaluated: 2024-01-04. Review status: criteria provided, single submitter. Criteria: ACMG Guidelines, 2015. Collection method: clinical testing. Allele origin: unknown.

Labcorp Genetics (formerly Invitae), Labcorp
Classification: Pathogenic. Last evaluated: 2023-09-24. Review status: criteria provided, single submitter. Criteria: Invitae Variant Classification Sherloc (09022015). Collection method: clinical testing. Allele origin: germline.
Comment: For these reasons, this variant has been classified as Pathogenic. ClinVar contains an entry for this variant (Variation ID: 1378799). This variant has not been reported in the literature in individuals affected with LRPPRC-related conditions. This variant is not present in population databases (gnomAD no frequency). This sequence change creates a premature translational stop signal (p.Arg723*) in the LRPPRC gene. It is expected to result in an absent or disrupted protein product. Loss-of-function variants in LRPPRC are known to be pathogenic (PMID: 26510951).

Revvity Omics, Revvity
Classification: Likely pathogenic for Congenital lactic acidosis, Saguenay-Lac-Saint-Jean type. Last evaluated: 2022-06-05. Review status: criteria provided, single submitter. Criteria: ACMG Guidelines, 2015. Collection method: clinical testing. Allele origin: germline.

Literature cited by the submitters: PubMed 26510951 (cited by Labcorp Genetics (formerly Invitae), Labcorp).

NM_133259.4(LRPPRC):c.2167C>T (p.Arg723Ter)

Gene: LRPPRC (leucine rich pentatricopeptide repeat containing; minus strand). Cytogenetic location: 2p21.
Variant type: single nucleotide variant.
Coding change: c.2167C>T on transcript NM_133259.4 (MANE Select); coding-DNA position 2167, C replaced by T.
Protein change: p.Arg723Ter; replaces arginine 723 with a stop codon.
Molecular consequence: nonsense.
Genome position (GRCh38, 1-based): chr2:43,946,156, G>A on the plus strand (C>T on the coding strand, the complement: LRPPRC is on the minus strand). VCF-style: chr2-43946156-G-A. GRCh37 (hg19) VCF-style: chr2-44173295-G-A.
Other names: c.2167C>T (NM_133259.3); short protein forms R723*.
Identifiers: ClinVar variation 1378799 (VCV001378799.11), dbSNP rs1022152551, ClinGen allele CA46460844.